The following is an entry in ClinVar:

NM_020631.6(PLEKHG5):c.1594C>T (p.Arg532Trp)

Gene: PLEKHG5 (pleckstrin homology and RhoGEF domain containing G5; minus strand). Cytogenetic location: 1p36.31.
Variant type: single nucleotide variant.
Coding change: c.1594C>T on transcript NM_020631.6 (MANE Select); coding-DNA position 1594, C replaced by T.
Protein change: p.Arg532Trp; replaces arginine 532 with tryptophan.
Molecular consequence: missense variant.
Genome position (GRCh38, 1-based): chr1:6,470,592, G>A on the plus strand (C>T on the coding strand, the complement: PLEKHG5 is on the minus strand). VCF-style: chr1-6470592-G-A. GRCh37 (hg19) VCF-style: chr1-6530652-G-A.
Other names: c.1705C>T, p.Arg569Trp (NM_001042663.3, NM_001265592.2); c.1594C>T, p.Arg532Trp (NM_001042664.2, NM_001042665.2, NM_001265594.3 and 1 more transcripts); c.1801C>T, p.Arg601Trp (NM_001265593.2); short protein forms R532W, R569W, R601W.
Identifiers: ClinVar variation 2079748 (VCV002079748.2), dbSNP rs756933610, ClinGen allele CA561453.

ClinVar aggregate classification (germline): Uncertain significance. Review status: criteria provided, multiple submitters, no conflicts (2 of 4 stars). 2 submissions from 2 submitters: Uncertain significance (2). Last evaluated 2025-09-22.

Conditions:
Neuronopathy, distal hereditary motor, autosomal recessive 4. Also called: NEUROPATHY, DISTAL HEREDITARY MOTOR, AUTOSOMAL RECESSIVE 4; Autosomal recessive lower motor neuron disease with childhood onset. Identifiers: Orphanet 206580, MedGen C1970211, MONDO:0012608, OMIM 611067.
Charcot-Marie-Tooth disease recessive intermediate C. Also called: CHARCOT-MARIE-TOOTH NEUROPATHY, RECESSIVE INTERMEDIATE C. Identifiers: Orphanet 369867, MedGen C3809309, MONDO:0014154, OMIM 615376.
Inborn genetic diseases. Identifiers: MedGen C0950123, MeSH D030342.

Allele frequency attached by ClinVar (database versions not stated): gnomAD exomes 0.00001; ExAC 0.00002; gnomAD 0.00002; TOPMed 0.00005.
gnomAD v4.1: 15 of 1,602,302 alleles (0.00094%); highest among the groups gnomAD compares: African/African-American, 0.0067%; no homozygotes.

Submissions (2):

Ambry Genetics
Classification: Uncertain significance for Inborn genetic diseases. Last evaluated: 2025-09-22. Review status: criteria provided, single submitter. Criteria: Ambry Variant Classification Scheme 2023. Collection method: clinical testing. Allele origin: germline.

Labcorp Genetics (formerly Invitae), Labcorp
Classification: Uncertain significance for Neuronopathy, distal hereditary motor, autosomal recessive 4; Charcot-Marie-Tooth disease recessive intermediate C. Last evaluated: 2022-06-01. Review status: criteria provided, single submitter. Criteria: Invitae Variant Classification Sherloc (09022015). Collection method: clinical testing. Allele origin: germline.
Comment: This sequence change replaces arginine, which is basic and polar, with tryptophan, which is neutral and slightly polar, at codon 532 of the PLEKHG5 protein (p.Arg532Trp). This variant is present in population databases (rs756933610, gnomAD 0.02%). This variant has not been reported in the literature in individuals affected with PLEKHG5-related conditions. Algorithms developed to predict the effect of missense changes on protein structure and function are either unavailable or do not agree on the potential impact of this missense change (SIFT: "Deleterious"; PolyPhen-2: "Possibly Damaging"; Align-GVGD: "Class C0"). In summary, the available evidence is currently insufficient to determine the role of this variant in disease. Therefore, it has been classified as a Variant of Uncertain Significance.